The following is an entry in ClinVar:

ClinVar aggregate classification (germline): Likely benign. Review status: criteria provided, multiple submitters, no conflicts (2 of 4 stars). 2 submissions from 2 submitters: Likely benign (2). Last evaluated 2022-05-01.

Allele frequency attached by ClinVar (database versions not stated): gnomAD exomes 0.00001 and 0.00002; TOPMed 0.00001; ExAC 0.00002.
gnomAD v4.1: 10 of 1,614,160 alleles (0.00062%); highest among the groups gnomAD compares: Admixed American, 0.0067%; 1 homozygote.

Submissions (2):

CeGaT Center for Human Genetics Tuebingen
Classification: Likely benign. Last evaluated: 2022-05-01. Review status: criteria provided, single submitter. Criteria: CeGaT Center For Human Genetics Tuebingen Variant Classification Criteria Version 2. Collection method: clinical testing. Allele origin: germline. Affected: yes. Observed: 1 variant allele.
Comment: CHD4: BP4, BP7

Labcorp Genetics (formerly Invitae), Labcorp
Classification: Likely benign. Last evaluated: 2018-03-29. Review status: criteria provided, single submitter. Criteria: Invitae Variant Classification Sherloc (09022015). Collection method: clinical testing. Allele origin: germline.

NM_001273.5(CHD4):c.1353C>T (p.Phe451=)

Gene: CHD4 (chromodomain helicase DNA binding protein 4; minus strand). Cytogenetic location: 12p13.31.
Variant type: single nucleotide variant.
Coding change: c.1353C>T on transcript NM_001273.5 (MANE Select); coding-DNA position 1353, C replaced by T.
Protein change: p.Phe451=; no amino-acid change (phenylalanine 451 retained).
Molecular consequence: synonymous variant.
Genome position (GRCh38, 1-based): chr12:6,599,902, G>A on the plus strand (C>T on the coding strand, the complement: CHD4 is on the minus strand). VCF-style: chr12-6599902-G-A. GRCh37 (hg19) VCF-style: chr12-6709068-G-A.
Other names: c.1332C>T, p.Phe444= (NM_001297553.2); c.1314C>T, p.Phe438= (NM_001363606.2).
Identifiers: ClinVar variation 737594 (VCV000737594.27), dbSNP rs778512761, ClinGen allele CA6412259.